The following is an entry in ClinVar:

NM_020366.4(RPGRIP1):c.1401A>C (p.Gln467His)

Gene: RPGRIP1 (RPGR interacting protein 1; plus strand). Cytogenetic location: 14q11.2.
Variant type: single nucleotide variant.
Coding change: c.1401A>C on transcript NM_020366.4 (MANE Select); coding-DNA position 1401, A replaced by C.
Protein change: p.Gln467His; replaces glutamine 467 with histidine.
Molecular consequence: missense variant.
Genome position (GRCh38, 1-based): chr14:21,320,111, A>C. VCF-style: chr14-21320111-A-C. GRCh37 (hg19) VCF-style: chr14-21788270-A-C.
Other names: c.327A>C, p.Gln109His (NM_001377523.1, NM_001377948.1, NM_001377949.1 and 1 more transcripts); short protein forms Q109H, Q467H.
Identifiers: ClinVar variation 3757400 (VCV003757400.2).

ClinVar aggregate classification (germline): Uncertain significance (1 of 4 stars; one submission).

Conditions:
Leber congenital amaurosis 6 (LCA6). Identifiers: Orphanet 65, MedGen C1854260, MONDO:0013446, OMIM 613826.
Cone-rod dystrophy 13 (CORD13). Identifiers: Orphanet 1872, MedGen C2750720, MONDO:0011987, OMIM 608194.

Submission:

Labcorp Genetics (formerly Invitae), Labcorp
Classification: Uncertain significance for Leber congenital amaurosis 6; Cone-rod dystrophy 13. Last evaluated: 2024-07-24. Review status: criteria provided, single submitter. Criteria: Invitae Variant Classification Sherloc (09022015). Collection method: clinical testing. Allele origin: germline.
Comment: This sequence change replaces glutamine, which is neutral and polar, with histidine, which is basic and polar, at codon 467 of the RPGRIP1 protein (p.Gln467His). The frequency data for this variant in the population databases is considered unreliable, as metrics indicate poor data quality at this position in the gnomAD database. This variant has not been reported in the literature in individuals affected with RPGRIP1-related conditions. Advanced modeling of protein sequence and biophysical properties (such as structural, functional, and spatial information, amino acid conservation, physicochemical variation, residue mobility, and thermodynamic stability) performed at Invitae indicates that this missense variant is expected to disrupt RPGRIP1 protein function with a positive predictive value of 80%. In summary, the available evidence is currently insufficient to determine the role of this variant in disease. Therefore, it has been classified as a Variant of Uncertain Significance.